The following is an entry in ClinVar:

ClinVar aggregate classification (germline): Uncertain significance. Review status: reviewed by expert panel (3 of 4 stars). 3 submissions from 3 submitters: Uncertain significance (1). 2 of the submissions do not count toward it. Last evaluated 2025-05-02.

Conditions:
Inborn genetic diseases. Identifiers: MedGen C0950123, MeSH D030342.
Hereditary thrombocytopenia and hematologic cancer predisposition syndrome. Identifiers: Orphanet 71290, MedGen CN281654, MONDO:0011071.
Hereditary thrombocytopenia and hematological cancer predisposition syndrome associated with RUNX1. Also called: Familial Platelet Disorder with Propensity to Acute Myelogenous Leukemia; Familial thrombocytopenia with propensity to acute myelogenous leukemia; PLATELET DISORDER, ASPIRIN-LIKE; RUNX1 Familial Platelet Disorder with Associated Myeloid Malignancies. Identifiers: Orphanet 71290, MedGen C1832388, MeSH C563324, MONDO:0100083, OMIM 601399.

Allele frequency attached by ClinVar (database versions not stated): gnomAD 0.00001; TOPMed 0.00001.

Submissions (3):

ClinGen Myeloid Malignancy Variant Curation Expert Panel
Classification: Uncertain significance for Hereditary thrombocytopenia and hematologic cancer predisposition syndrome. Last evaluated: 2025-05-02. Review status: reviewed by expert panel. Criteria: ClinGen MyeloMalig ACMG Specifications v2. Collection method: curation. Allele origin: germline. Inheritance: Autosomal dominant inheritance.
Comment: NM_001754.5(RUNX1):c.1109C>T (p.Ala370Val) is a missense variant which does not meet any ACMG/AMP criteria. In summary, the clinical significance of this variant is uncertain. ACMG/AMP criteria applied, as specified by the Myeloid Malignancy Variant Curation Expert Panel for RUNX1: None.

Labcorp Genetics (formerly Invitae), Labcorp
Classification: Uncertain significance for Hereditary thrombocytopenia and hematological cancer predisposition syndrome associated with RUNX1. Last evaluated: 2025-08-08. Review status: criteria provided, single submitter. Criteria: Invitae Variant Classification Sherloc (09022015). Collection method: clinical testing. Allele origin: germline. Not counted in ClinVar's aggregate classification.
Comment: This sequence change replaces alanine, which is neutral and non-polar, with valine, which is neutral and non-polar, at codon 370 of the RUNX1 protein (p.Ala370Val). This variant is not present in population databases (gnomAD no frequency). This variant has not been reported in the literature in individuals affected with RUNX1-related conditions. ClinVar contains an entry for this variant (Variation ID: 580539). Invitae Evidence Modeling of protein sequence and biophysical properties (such as structural, functional, and spatial information, amino acid conservation, physicochemical variation, residue mobility, and thermodynamic stability) has been performed for this missense variant. However, the output from this modeling did not meet the statistical confidence thresholds required to predict the impact of this variant on RUNX1 protein function. In summary, the available evidence is currently insufficient to determine the role of this variant in disease. Therefore, it has been classified as a Variant of Uncertain Significance.

Ambry Genetics
Classification: Uncertain significance for Inborn genetic diseases. Last evaluated: 2025-03-29. Review status: criteria provided, single submitter. Criteria: Ambry Variant Classification Scheme 2023. Collection method: clinical testing. Allele origin: germline. Not counted in ClinVar's aggregate classification.
Comment: The p.A370V variant (also known as c.1109C>T), located in coding exon 8 of the RUNX1 gene, results from a C to T substitution at nucleotide position 1109. The alanine at codon 370 is replaced by valine, an amino acid with similar properties. This amino acid position is conserved. In addition, the in silico prediction for this alteration is inconclusive. Based on the available evidence, the clinical significance of this variant remains unclear.

NM_001754.5(RUNX1):c.1109C>T (p.Ala370Val)

Gene: RUNX1 (RUNX family transcription factor 1; minus strand). Cytogenetic location: 21q22.12.
Variant type: single nucleotide variant.
Coding change: c.1109C>T on transcript NM_001754.5 (MANE Select); coding-DNA position 1109, C replaced by T.
Protein change: p.Ala370Val; replaces alanine 370 with valine.
Molecular consequence: missense variant.
Genome position (GRCh38, 1-based): chr21:34,792,469, G>A on the plus strand (C>T on the coding strand, the complement: RUNX1 is on the minus strand). VCF-style: chr21-34792469-G-A. GRCh37 (hg19) VCF-style: chr21-36164766-G-A.
Other names: NM_001754.4(RUNX1):c.1109C>T; p.Ala370Val; NM_001754.5(RUNX1):c.1109C>T; c.1028C>T, p.Ala343Val (NM_001001890.3); short protein forms A370V, A343V.
Identifiers: ClinVar variation 580539 (VCV000580539.10), dbSNP rs1457932375, ClinGen allele CA410148093.